The following is an entry in ClinVar:

NM_001009944.3(PKD1):c.1722+2T>C

Gene: PKD1 (polycystin 1, transient receptor potential channel interacting; minus strand). Cytogenetic location: 16p13.3.
Variant type: single nucleotide variant.
Coding change: c.1722+2T>C on transcript NM_001009944.3 (MANE Select); the canonical splice donor site of the intron after coding-DNA position 1722, T replaced by C.
Molecular consequence: splice donor variant.
Genome position (GRCh38, 1-based): chr16:2,116,527, A>G on the plus strand (T>C on the coding strand, the complement: PKD1 is on the minus strand). VCF-style: chr16-2116527-A-G. GRCh37 (hg19) VCF-style: chr16-2166528-A-G.
Other names: c.1722+2T>C (NM_000296.4).
Identifiers: ClinVar variation 280669 (VCV000280669.3), dbSNP rs886041836, ClinGen allele CA10603314.

ClinVar aggregate classification (germline): Pathogenic/Likely pathogenic. Review status: criteria provided, multiple submitters, no conflicts (2 of 4 stars). 2 submissions from 2 submitters: Pathogenic (1); Likely pathogenic (1). Last evaluated 2022-03-08.

Conditions:
Polycystic kidney disease, adult type (PKD1). Also called: POLYCYSTIC KIDNEY DISEASE, ADULT, TYPE I; Polycystic Kidney, Autosomal Dominant; Polycystic Kidney Disease 1, Autosomal Dominant; Polycystic kidney disease 1; Polycystic kidney disease 1, severe; POLYCYSTIC KIDNEY DISEASE 1 WITH OR WITHOUT POLYCYSTIC LIVER DISEASE. Identifiers: MedGen C3149841, MONDO:0008263, OMIM 173900.

Submissions (2):

Fulgent Genetics
Classification: Likely pathogenic for Polycystic kidney disease, adult type. Last evaluated: 2022-03-08. Review status: criteria provided, single submitter. Criteria: ACMG Guidelines, 2015. Collection method: clinical testing. Allele origin: unknown.

GeneDx
Classification: Pathogenic. Last evaluated: 2016-06-23. Review status: criteria provided, single submitter. Criteria: GeneDx Variant Classification (06012015). Collection method: clinical testing. Allele origin: germline. Affected: yes.
Comment: The c.1722+2T>C pathogenic variant in the PKD1 gene has not been reported previously as a pathogenic variant nor as a benign variant, to our knowledge. This splice site variant destroys the canonical splice donor site in intron 8. It is predicted to cause abnormal gene splicing, either leading to an abnormal message that is subject to nonsense-mediated mRNA decay, or to an abnormal protein product if the message is used for protein translation. The c.1722+2T>C variant was not observed in approximately 6300 individuals of European and African American ancestry in the NHLBI Exome Sequencing Project, indicating it is not a common benign variant in these populations. Another variant at the same splice site, c.1722+1G>A, has been reported in association with autosomal dominant polycystic kidney disease, supporting the functional importance of this region of the protein (AudrÃ©zet et al., 2012). We interpret c.1722+2T>C as a pathogenic variant.